The following is an entry in ClinVar:

ClinVar aggregate classification (germline): Pathogenic (1 of 4 stars; one submission).

gnomAD v4.1: 10 of 1,613,676 alleles (0.00062%); highest among the groups gnomAD compares: African/African-American, 0.0027%; no homozygotes.

Submission:

GeneDx
Classification: Pathogenic. Last evaluated: 2026-09-19. Review status: criteria provided, single submitter. Criteria: GeneDx Variant Classification Process June 2021. Collection method: clinical testing. Allele origin: germline.
Comment: Nonsense variant predicted to result in protein truncation, as the last 2686 amino acid(s) are lost, and other loss-of-function variants have been reported downstream in HGMD; Not observed at significant frequency in large population cohorts (gnomAD); Has not been previously published as pathogenic or benign to our knowledge; This variant is associated with the following publications: (PMID: 16444271)

NM_002016.2(FLG):c.4126A>T (p.Arg1376Ter)

Genes: CCDST (cervical cancer associated DHX9 suppressive transcript; plus strand), FLG (filaggrin; minus strand). Cytogenetic location: 1q21.3.
Variant type: single nucleotide variant.
Coding change: c.4126A>T on transcript NM_002016.2 (MANE Select); coding-DNA position 4126, A replaced by T.
Protein change: p.Arg1376Ter; replaces arginine 1376 with a stop codon.
Molecular consequence: nonsense.
Genome position (GRCh38, 1-based): chr1:152,310,760, T>A on the plus strand (A>T on the coding strand, the complement: FLG is on the minus strand). VCF-style: chr1-152310760-T-A. GRCh37 (hg19) VCF-style: chr1-152283236-T-A.
Other names: short protein forms R1376*.
Identifiers: ClinVar variation 3342745 (VCV003342745.2).